The following is an entry in ClinVar:

ClinVar aggregate classification (germline): Conflicting classifications of pathogenicity. Review status: criteria provided, conflicting classifications (1 of 4 stars). 2 submissions from 2 submitters: Likely pathogenic (1); Uncertain significance (1). Last evaluated 2026-02-03.

Conditions:
Epilepsy, idiopathic generalized, susceptibility to, 13. Also called: EPILEPSY, JUVENILE MYOCLONIC, SUSCEPTIBILITY TO, 5. Identifiers: Orphanet 307, Orphanet 64280, MedGen C4013473, MONDO:0012627, OMIM 611136.
Epilepsy, childhood absence 4 (ECA4). Also called: EPILEPSY, CHILDHOOD ABSENCE, SUSCEPTIBILITY TO, 4. Identifiers: Orphanet 307, MedGen C1970160.
Idiopathic generalized epilepsy. Also called: EIG; Generalised epilepsy. Identifiers: MedGen C0270850, MONDO:0005579, OMIM 600669.

Submissions (2):

Labcorp Genetics (formerly Invitae), Labcorp
Classification: Likely pathogenic for Epilepsy, childhood absence 4; Epilepsy, idiopathic generalized, susceptibility to, 13; Idiopathic generalized epilepsy. Last evaluated: 2026-02-03. Review status: criteria provided, single submitter. Criteria: Invitae Variant Classification Sherloc (09022015). Collection method: clinical testing. Allele origin: germline.
Comment: This sequence change affects a donor splice site in intron 6 of the GABRA1 gene. It is expected to disrupt RNA splicing. Variants that disrupt the donor or acceptor splice site typically lead to a loss of protein function (PMID: 16199547), and loss-of-function variants in GABRA1 are known to be pathogenic (PMID: 16718694). This variant is not present in population databases (gnomAD no frequency). This variant has not been reported in the literature in individuals affected with GABRA1-related conditions. ClinVar contains an entry for this variant (Variation ID: 1068160). Algorithms developed to predict the effect of sequence changes on RNA splicing suggest that this variant may disrupt the consensus splice site. In summary, the currently available evidence indicates that the variant is pathogenic, but additional data are needed to prove that conclusively. Therefore, this variant has been classified as Likely Pathogenic.

GeneDx
Classification: Uncertain significance. Last evaluated: 2025-01-29. Review status: criteria provided, single submitter. Criteria: GeneDx Variant Classification Process June 2021. Collection method: clinical testing. Allele origin: germline. Affected: yes.
Comment: Not observed at significant frequency in large population cohorts (gnomAD); Canonical splice site variant in a gene or region of a gene for which loss of function is not a well-established mechanism of disease; Has not been previously published as pathogenic or benign to our knowledge

Literature cited by the submitters: PubMed 16199547 (cited by Labcorp Genetics (formerly Invitae), Labcorp); PubMed 16718694 (cited by Labcorp Genetics (formerly Invitae), Labcorp).

NM_001127644.2(GABRA1):c.476+2T>A

Gene: GABRA1 (gamma-aminobutyric acid type A receptor subunit alpha1; plus strand). Cytogenetic location: 5q34.
Variant type: single nucleotide variant.
Coding change: c.476+2T>A on transcript NM_001127644.2 (MANE Select); the canonical splice donor site of the intron after coding-DNA position 476, T replaced by A.
Molecular consequence: splice donor variant.
Genome position (GRCh38, 1-based): chr5:161,873,339, T>A. VCF-style: chr5-161873339-T-A. GRCh37 (hg19) VCF-style: chr5-161300345-T-A.
Other names: c.476+2T>A (NM_000806.5, NM_001127643.2, NM_001127645.2 and 1 more transcripts).
Identifiers: ClinVar variation 1068160 (VCV001068160.4), dbSNP rs2113381723, ClinGen allele CA362179171.